The following is an entry in ClinVar:

NM_001098668.4(SFTPA2):c.282A>G (p.Arg94=)

Gene: SFTPA2 (surfactant protein A2; minus strand). Cytogenetic location: 10q22.3.
Variant type: single nucleotide variant.
Coding change: c.282A>G on transcript NM_001098668.4 (MANE Select); coding-DNA position 282, A replaced by G.
Protein change: p.Arg94=; no amino-acid change (arginine 94 retained).
Molecular consequence: synonymous variant.
Genome position (GRCh38, 1-based): chr10:79,558,896, T>C on the plus strand (A>G on the coding strand, the complement: SFTPA2 is on the minus strand). VCF-style: chr10-79558896-T-C. GRCh37 (hg19) VCF-style: chr10-81318652-T-C.
Other names: c.282A>G, p.Arg94= (NM_001320813.2); c.312A>G, p.Arg104= (NM_001320814.1).
Identifiers: ClinVar variation 666638 (VCV000666638.11), dbSNP rs17886221, ClinGen allele CA5574124.

ClinVar aggregate classification (germline): Benign. Review status: criteria provided, multiple submitters, no conflicts (2 of 4 stars). 4 submissions from 4 submitters: Benign (4). Last evaluated 2020-04-30.

Allele frequency attached by ClinVar (database versions not stated): gnomAD exomes 0.00763 and 0.00384; ExAC 0.00867; gnomAD 0.01942 and 0.02047; ESP Exome Variant Server 0.02039; 1000 Genomes Project 30x 0.02202; TOPMed 0.02253; 1000 Genomes Project 0.02256.
gnomAD v4.1: 8,772 of 1,613,700 alleles (0.54%); highest among the groups gnomAD compares: African/African-American, 6.1%; 186 homozygotes.

Submissions (4):

GeneDx
Classification: Benign. Last evaluated: 2020-04-30. Review status: criteria provided, single submitter. Criteria: GeneDx Variant Classification Process June 2021. Collection method: clinical testing. Allele origin: germline. Affected: yes.

Labcorp Genetics (formerly Invitae), Labcorp
Classification: Benign. Last evaluated: 2019-12-31. Review status: criteria provided, single submitter. Criteria: Invitae Variant Classification Sherloc (09022015). Collection method: clinical testing. Allele origin: germline.

Laboratory for Molecular Medicine, Mass General Brigham Personalized Medicine
Classification: Benign. Last evaluated: 2018-07-03. Review status: criteria provided, single submitter. Criteria: LMM Criteria. Collection method: clinical testing. Allele origin: germline. Observed: 2 variant alleles.
Comment: p.Arg94Arg in exon 4 of SFTPA2: This variant is classified as likely benign beca use it does not alter an amino acid residue, it is not located within the splice consensus sequence, and splice prediction algorithms do not predict a newly cre ated splice site and it has been identified in 6% (1517/24004) of African chromo somes including 56 homozygotes by the Genome Aggregation Database (gnomAD; dbSNP rs17886221). ACMG/AMP Criteria applied: BP4, BP7, BA1.

Breakthrough Genomics
Classification: Benign. Review status: criteria provided, single submitter. Criteria: ACMG Guidelines, 2015. Collection method: not provided. Allele origin: germline. Inheritance: Autosomal dominant inheritance. Affected: yes.